The following is an entry in ClinVar:

ClinVar aggregate classification (germline): Uncertain significance. Review status: criteria provided, multiple submitters, no conflicts (2 of 4 stars). 2 submissions from 2 submitters: Uncertain significance (2). Last evaluated 2025-08-10.

Conditions:
Inborn genetic diseases. Identifiers: MedGen C0950123, MeSH D030342.

Allele frequency attached by ClinVar (database versions not stated): gnomAD exomes below 0.00001 and 0.00001; TOPMed below 0.00001; ESP Exome Variant Server 0.00008.
gnomAD v4.1: 10 of 1,600,602 alleles (0.00062%); highest among the groups gnomAD compares: African/African-American, 0.0013%; no homozygotes.

Submissions (2):

Ambry Genetics
Classification: Uncertain significance for Inborn genetic diseases. Last evaluated: 2025-08-10. Review status: criteria provided, single submitter. Criteria: Ambry Variant Classification Scheme 2023. Collection method: clinical testing. Allele origin: germline.

Labcorp Genetics (formerly Invitae), Labcorp
Classification: Uncertain significance. Last evaluated: 2023-02-22. Review status: criteria provided, single submitter. Criteria: Invitae Variant Classification Sherloc (09022015). Collection method: clinical testing. Allele origin: germline.
Comment: Advanced modeling of protein sequence and biophysical properties (such as structural, functional, and spatial information, amino acid conservation, physicochemical variation, residue mobility, and thermodynamic stability) performed at Invitae indicates that this missense variant is not expected to disrupt CLCN7 protein function. In summary, the available evidence is currently insufficient to determine the role of this variant in disease. Therefore, it has been classified as a Variant of Uncertain Significance. Algorithms developed to predict the effect of sequence changes on RNA splicing suggest that this variant may create or strengthen a splice site. ClinVar contains an entry for this variant (Variation ID: 1512040). This variant has not been reported in the literature in individuals affected with CLCN7-related conditions. The frequency data for this variant in the population databases is considered unreliable, as metrics indicate poor data quality at this position in the gnomAD database. This sequence change replaces arginine, which is basic and polar, with glutamine, which is neutral and polar, at codon 756 of the CLCN7 protein (p.Arg756Gln).

NM_001287.6(CLCN7):c.2267G>A (p.Arg756Gln)

Gene: CLCN7 (chloride voltage-gated channel 7; minus strand). Cytogenetic location: 16p13.3.
Variant type: single nucleotide variant.
Coding change: c.2267G>A on transcript NM_001287.6 (MANE Select); coding-DNA position 2267, G replaced by A.
Protein change: p.Arg756Gln; replaces arginine 756 with glutamine.
Molecular consequence: missense variant.
Genome position (GRCh38, 1-based): chr16:1,447,070, C>T on the plus strand (G>A on the coding strand, the complement: CLCN7 is on the minus strand). VCF-style: chr16-1447070-C-T. GRCh37 (hg19) VCF-style: chr16-1497071-C-T.
Other names: c.2195G>A, p.Arg732Gln (NM_001114331.3); c.2267G>A (NM_001287.4); short protein forms R756Q, R732Q.
Identifiers: ClinVar variation 1512040 (VCV001512040.7), dbSNP rs376638904, ClinGen allele CA276667685.